The following is an entry in ClinVar:

ClinVar aggregate classification (germline): Pathogenic/Likely pathogenic. Review status: criteria provided, multiple submitters, no conflicts (2 of 4 stars). 3 submissions from 3 submitters: Pathogenic (1); Likely pathogenic (1). 1 of the submissions does not count toward it. Last evaluated 2025-02-04.

Conditions:
Osteogenesis imperfecta (OI). Identifiers: Orphanet 666, MedGen C0029434, MeSH D010013, MONDO:0019019.
Osteogenesis imperfecta type 7 (OI7). Also called: Osteogenesis imperfecta type 2B; OI type 2B; Osteogenesis imperfecta, perinatal lethal autosomal recessive; OI type IIB; OSTEOGENESIS IMPERFECTA, TYPE IIB; OI type 7. Identifiers: MedGen C1853162, MONDO:0012536, OMIM 610682.

Allele frequency attached by ClinVar (database versions not stated): TOPMed below 0.00001.

Submissions (3):

Labcorp Genetics (formerly Invitae), Labcorp
Classification: Pathogenic for Osteogenesis imperfecta type 7. Last evaluated: 2025-02-04. Review status: criteria provided, single submitter. Criteria: Invitae Variant Classification Sherloc (09022015). Collection method: clinical testing. Allele origin: germline.
Comment: This sequence change affects the initiator methionine of the CRTAP mRNA. The next in-frame methionine is located at codon 42. This variant is not present in population databases (gnomAD no frequency). Disruption of the initiator codon has been observed in individual(s) with CRTAP-related osteogenesis imperfecta (PMID: 17192541). In at least one individual the data is consistent with being in trans (on the opposite chromosome) from a pathogenic variant. ClinVar contains an entry for this variant (Variation ID: 4951). Experimental studies and prediction algorithms are not available or were not evaluated, and the functional significance of this variant is currently unknown. For these reasons, this variant has been classified as Pathogenic.

Women's Health and Genetics/Laboratory Corporation of America, LabCorp
Classification: Likely pathogenic for Osteogenesis imperfecta. Last evaluated: 2022-11-04. Review status: criteria provided, single submitter. Criteria: LabCorp Variant Classification Summary - May 2015. Collection method: clinical testing. Allele origin: germline.
Comment: Variant summary: CRTAP c.3G>A (p.Met1?, aka p.Met1Ile) alters the initiation codon and is predicted to result either in absence of the protein or truncation of the encoded protein due to translation initiation at a downstream codon. The first potential downstream in-frame start codon (ATG) is located in exon 1 at Met42. Several truncations have been reported 5' of Met42 in the CRTAP gene in affected individuals (HGMD). The variant was absent in 72958 control chromosomes (gnomAD). The variant, c.3G>A, has been reported in the literature in an infant affected with Osteogenesis Imperfecta, who carried a frameshift variant in trans (Barnes_2006). Authors of this study also analyzed patient derived cells, and reported that the father of the infant, whose variant alters the start codon, produced both normal and a smaller size CRTAP protein, suggesting that his cells contain a truncated form of CRTAP (likely initiated at the next methionine codon, Met42), and although they could not detect the truncated form in the infant, collagen prolyl 3-hydroxylation measurements suggested that the infant had some residual enzyme activity, supposedly derived from the paternal allele (Barnes_2006). No clinical diagnostic laboratories have submitted clinical-significance assessments for this variant to ClinVar after 2014. Based on the evidence outlined above, the variant was classified as likely pathogenic.

OMIM
Classification: Pathogenic for OSTEOGENESIS IMPERFECTA, TYPE VII. Last evaluated: 2006-12-28. Review status: no assertion criteria provided. Collection method: literature only. Allele origin: germline. Not counted in ClinVar's aggregate classification.

Literature cited by the submitters: PubMed 17192541 (cited by 3 submitters).

NM_006371.5(CRTAP):c.3G>A (p.Met1Ile)

Genes: CRTAP (cartilage associated protein; plus strand), LOC129936436 (ATAC-STARR-seq lymphoblastoid silent region 14183; plus strand). Cytogenetic location: 3p22.3.
Variant type: single nucleotide variant.
Coding change: c.3G>A on transcript NM_006371.5 (MANE Select); coding-DNA position 3, G replaced by A.
Protein change: p.Met1Ile; changes the start codon (methionine 1).
Molecular consequence: missense variant, initiator codon variant.
Genome position (GRCh38, 1-based): chr3:33,114,080, G>A. VCF-style: chr3-33114080-G-A. GRCh37 (hg19) VCF-style: chr3-33155572-G-A.
Other names: c.3G>A, p.Met1Ile (NM_001393363.1, NM_001393364.1, NM_001393365.1); short protein forms M1I.
Identifiers: ClinVar variation 4951 (VCV000004951.7), dbSNP rs72659357, ClinGen allele CA117153.
Genomic context (GRCh38, chr3:33,114,080, plus strand): 5'-CTTCTCCCTCCCCTTTTCCCTTCCTTCGTCCCTTCCTTCCTTCCTTTCGCCGGGCGCGAT[G>A]GAGCCGGGGCGCCGGGGGGCCGCGGCGCTGCTAGCGCTGCTGTGCGTGGCCTGCGCGCTG-3'
Protein context (NP_006362.1, residues 1-11): [Met1Ile]EPGRRGAAAL